The following is an entry in ClinVar:

ClinVar aggregate classification (germline): Uncertain significance. Review status: criteria provided, multiple submitters, no conflicts (2 of 4 stars). 3 submissions from 3 submitters: Uncertain significance (3). Last evaluated 2020-07-16.

Conditions:
Inborn genetic diseases. Identifiers: MedGen C0950123, MeSH D030342.
Intellectual developmental disorder, autosomal recessive 27. Also called: Mental retardation, autosomal recessive 27; Intellectual disability, autosomal recessive 27. Identifiers: Orphanet 88616, MedGen C3280538, MONDO:0013702, OMIM 614340.

Allele frequency attached by ClinVar (database versions not stated): TOPMed 0.00005; gnomAD 0.00006; gnomAD exomes 0.00010 and 0.00005; ExAC 0.00005.
gnomAD v4.1: 85 of 1,556,874 alleles (0.0055%); highest among the groups gnomAD compares: Middle Eastern, 0.43%; no homozygotes.

Submissions (3):

Baylor Genetics
Classification: Uncertain significance for Intellectual developmental disorder, autosomal recessive 27. Last evaluated: 2020-07-16. Review status: criteria provided, single submitter. Criteria: ACMG Guidelines, 2015. Collection method: clinical testing. Allele origin: unknown. Affected: yes.
Comment: This variant was determined to be of uncertain significance according to ACMG Guidelines, 2015 [PMID:25741868].

Ambry Genetics
Classification: Uncertain significance for Inborn genetic diseases. Last evaluated: 2018-01-03. Review status: criteria provided, single submitter. Criteria: Ambry Variant Classification Scheme 2023. Collection method: clinical testing. Allele origin: germline.
Comment: The p.I494T variant (also known as c.1481T>C), located in coding exon 6 of the LINS gene, results from a T to C substitution at nucleotide position 1481. The isoleucine at codon 494 is replaced by threonine, an amino acid with similar properties. This amino acid position is not well conserved in available vertebrate species. In addition, this alteration is predicted to be tolerated by in silico analysis. Since supporting evidence is limited at this time, the clinical significance of this alteration remains unclear.

Breakthrough Genomics
Classification: Uncertain significance. Review status: criteria provided, single submitter. Criteria: ACMG Guidelines, 2015. Collection method: not provided. Allele origin: germline. Inheritance: Autosomal recessive inheritance. Affected: yes.

NM_001040616.3(LINS1):c.1481T>C (p.Ile494Thr)

Gene: LINS1 (lines homolog 1; minus strand). Cytogenetic location: 15q26.3.
Variant type: single nucleotide variant.
Coding change: c.1481T>C on transcript NM_001040616.3 (MANE Select); coding-DNA position 1481, T replaced by C.
Protein change: p.Ile494Thr; replaces isoleucine 494 with threonine.
Molecular consequence: missense variant. On other transcripts: non-coding transcript variant (3).
Genome position (GRCh38, 1-based): chr15:100,570,031, A>G on the plus strand (T>C on the coding strand, the complement: LINS1 is on the minus strand). VCF-style: chr15-100570031-A-G. GRCh37 (hg19) VCF-style: chr15-101110236-A-G.
Other names: c.734T>C, p.Ile245Thr (NM_001352507.2); c.1328T>C, p.Ile443Thr (NM_001352508.2); short protein forms I443T, I494T, I245T.
Identifiers: ClinVar variation 1028987 (VCV001028987.4), dbSNP rs772460402, ClinGen allele CA7759392.